The following is an entry in ClinVar:

NM_002890.3(RASA1):c.*16T>C

Genes: CCNH (cyclin H; minus strand), RASA1 (RAS p21 protein activator 1; plus strand). Cytogenetic location: 5q14.3.
Variant type: single nucleotide variant.
Coding change: c.*16T>C on transcript NM_002890.3 (MANE Select); 16 bases downstream of the stop codon, T replaced by C.
Molecular consequence: 3 prime UTR variant. On other transcripts: non-coding transcript variant (1), intron variant (1).
Genome position (GRCh38, 1-based): chr5:87,390,899, T>C. VCF-style: chr5-87390899-T-C. GRCh37 (hg19) VCF-style: chr5-86686716-T-C.
Other names: c.*16T>C (NM_022650.3); c.*1961A>G (NM_001363539.2, NM_001364076.2); c.933+4145A>G (NM_001364075.2).
Identifiers: ClinVar variation 354531 (VCV000354531.8), dbSNP rs770822619, ClinGen allele CA3336243.

ClinVar aggregate classification (germline): Likely benign (1 of 4 stars; one submission).

Conditions:
Capillary malformation-arteriovenous malformation 1 (CMAVM1). Identifiers: Orphanet 137667, Orphanet 693907, MedGen C4747394, MONDO:0020783, OMIM 608354.

Allele frequency attached by ClinVar (database versions not stated): TOPMed 0.00001; gnomAD exomes 0.00002 and 0.00006; gnomAD 0.00004 and 0.00003; ExAC 0.00002.
gnomAD v4.1: 85 of 1,590,250 alleles (0.0053%); highest among the groups gnomAD compares: Non-Finnish European, 0.007%; no homozygotes.

Submission:

Illumina Laboratory Services, Illumina
Classification: Likely benign for Capillary malformation-arteriovenous malformation 1. Last evaluated: 2018-01-12. Review status: criteria provided, single submitter. Criteria: ICSL Variant Classification Criteria 13 December 2019. Collection method: clinical testing. Allele origin: germline.
Comment: This variant was observed in the ICSL laboratory as part of a predisposition screen in an ostensibly healthy population. It had not been previously curated by ICSL or reported in the Human Gene Mutation Database (HGMD: prior to June 1st, 2018), and was therefore a candidate for classification through an automated scoring system. Utilizing variant allele frequency, disease prevalence and penetrance estimates, and inheritance mode, an automated score was calculated to assess if this variant is too frequent to cause the disease. Based on the score and internal cut-off values, a variant classified as likely benign is not then subjected to further curation. The score for this variant resulted in a classification of likely benign for this disease.